The following is an entry in ClinVar:

ClinVar aggregate classification (germline): Uncertain significance (1 of 4 stars; one submission).

Allele frequency attached by ClinVar (database versions not stated): TOPMed below 0.00001.
gnomAD v4.1: 13 of 1,613,358 alleles (0.00081%); highest among the groups gnomAD compares: African/African-American, 0.0027%; no homozygotes.

Submission:

Labcorp Genetics (formerly Invitae), Labcorp
Classification: Uncertain significance. Last evaluated: 2024-04-09. Review status: criteria provided, single submitter. Criteria: Invitae Variant Classification Sherloc (09022015). Collection method: clinical testing. Allele origin: germline.
Comment: This sequence change replaces valine, which is neutral and non-polar, with methionine, which is neutral and non-polar, at codon 1308 of the SRCAP protein (p.Val1308Met). This variant is present in population databases (rs199498393, gnomAD 0.01%). This variant has not been reported in the literature in individuals affected with SRCAP-related conditions. Advanced modeling of protein sequence and biophysical properties (such as structural, functional, and spatial information, amino acid conservation, physicochemical variation, residue mobility, and thermodynamic stability) performed at Invitae indicates that this missense variant is not expected to disrupt SRCAP protein function with a negative predictive value of 80%. In summary, the available evidence is currently insufficient to determine the role of this variant in disease. Therefore, it has been classified as a Variant of Uncertain Significance.

NM_006662.3(SRCAP):c.3922G>A (p.Val1308Met)

Gene: SRCAP (Snf2 related CREBBP activator protein; plus strand). Cytogenetic location: 16p11.2.
Variant type: single nucleotide variant.
Coding change: c.3922G>A on transcript NM_006662.3 (MANE Select); coding-DNA position 3922, G replaced by A.
Protein change: p.Val1308Met; replaces valine 1308 with methionine.
Molecular consequence: missense variant.
Genome position (GRCh38, 1-based): chr16:30,722,992, G>A. VCF-style: chr16-30722992-G-A. GRCh37 (hg19) VCF-style: chr16-30734313-G-A.
Other names: short protein forms V1308M.
Identifiers: ClinVar variation 2992066 (VCV002992066.3), dbSNP rs199498393, ClinGen allele CA8011625.